The following is an entry in ClinVar:

NM_173467.5(MCAT):c.235C>G (p.Arg79Gly)

Gene: MCAT (malonyl-CoA-acyl carrier protein transacylase; minus strand). Cytogenetic location: 22q13.2.
Variant type: single nucleotide variant.
Coding change: c.235C>G on transcript NM_173467.5 (MANE Select); coding-DNA position 235, C replaced by G.
Protein change: p.Arg79Gly; replaces arginine 79 with glycine.
Molecular consequence: missense variant. On other transcripts: non-coding transcript variant (1).
Genome position (GRCh38, 1-based): chr22:43,143,114, G>C on the plus strand (C>G on the coding strand, the complement: MCAT is on the minus strand). VCF-style: chr22-43143114-G-C. GRCh37 (hg19) VCF-style: chr22-43539120-G-C.
Other names: c.235C>G, p.Arg79Gly (NM_014507.3); c.235C>G (NM_173467.4); short protein forms R79G.
Identifiers: ClinVar variation 1695049 (VCV001695049.31), dbSNP rs77536207, ClinGen allele CA10272669.

ClinVar aggregate classification (germline): Likely benign. Review status: criteria provided, single submitter (1 of 4 stars). 3 submissions from 3 submitters: Likely benign (1). 2 of the submissions do not count toward it. Last evaluated 2025-03-01.

Conditions:
MCAT-related condition.
Retinal dystrophy. Also called: Inherited retinal dystrophy. Identifiers: Orphanet 71862, MedGen C0854723, MeSH D058499, MONDO:0019118, HP:0000556.

Allele frequency attached by ClinVar (database versions not stated): 1000 Genomes Project 0.00220; 1000 Genomes Project 30x 0.00234; ESP Exome Variant Server 0.00287; gnomAD exomes 0.00289 and 0.00484; ExAC 0.00329; gnomAD 0.00348 and 0.00355; TOPMed 0.00349.
gnomAD v4.1: 7,464 of 1,602,372 alleles (0.47%); highest among the groups gnomAD compares: Non-Finnish European, 0.56%; 20 homozygotes.

Submissions (3):

CeGaT Center for Human Genetics Tuebingen
Classification: Likely benign. Last evaluated: 2025-03-01. Review status: criteria provided, single submitter. Criteria: CeGaT Center For Human Genetics Tuebingen Variant Classification Criteria Version 2. Collection method: clinical testing. Allele origin: germline. Affected: yes. Observed: 3 variant alleles.
Comment: MCAT: BS2

PreventionGenetics, part of Exact Sciences
Classification: Likely benign for MCAT-related condition. Last evaluated: 2024-05-28. Review status: no assertion criteria provided. Collection method: clinical testing. Allele origin: germline. Not counted in ClinVar's aggregate classification.
Comment: This variant is classified as likely benign based on ACMG/AMP sequence variant interpretation guidelines (Richards et al. 2015 PMID: 25741868, with internal and published modifications).

Institute of Human Genetics, Univ. Regensburg, Univ. Regensburg
Classification: Uncertain significance for Retinal dystrophy. Last evaluated: 2022-01-01. Review status: no assertion criteria provided. Criteria: ACMG Guidelines, 2015. Collection method: clinical testing. Allele origin: germline. Affected: yes. Not counted in ClinVar's aggregate classification.